The following is an entry in ClinVar:

ClinVar aggregate classification (germline): Uncertain significance. Review status: criteria provided, multiple submitters, no conflicts (2 of 4 stars). 2 submissions from 2 submitters: Uncertain significance (2). Last evaluated 2025-01-30.

Conditions:
Inborn genetic diseases. Identifiers: MedGen C0950123, MeSH D030342.

Allele frequency attached by ClinVar (database versions not stated): gnomAD exomes 0.00001 and 0.00002; ExAC 0.00002; TOPMed 0.00006; ESP Exome Variant Server 0.00008; gnomAD 0.00009 and 0.00010.
gnomAD v4.1: 25 of 1,613,964 alleles (0.0015%); highest among the groups gnomAD compares: African/African-American, 0.033%; no homozygotes.

Submissions (2):

Ambry Genetics
Classification: Uncertain significance for Inborn genetic diseases. Last evaluated: 2025-01-30. Review status: criteria provided, single submitter. Criteria: Ambry Variant Classification Scheme 2023. Collection method: clinical testing. Allele origin: germline.

Labcorp Genetics (formerly Invitae), Labcorp
Classification: Uncertain significance. Last evaluated: 2022-04-24. Review status: criteria provided, single submitter. Criteria: Invitae Variant Classification Sherloc (09022015). Collection method: clinical testing. Allele origin: germline.
Comment: This sequence change replaces glycine, which is neutral and non-polar, with glutamic acid, which is acidic and polar, at codon 2890 of the SPEG protein (p.Gly2890Glu). This variant is present in population databases (rs372724045, gnomAD 0.03%). This variant has not been reported in the literature in individuals affected with SPEG-related conditions. Algorithms developed to predict the effect of missense changes on protein structure and function output the following: SIFT: "Deleterious"; PolyPhen-2: "Benign"; Align-GVGD: "Class C0". The glutamic acid amino acid residue is found in multiple mammalian species, which suggests that this missense change does not adversely affect protein function. In summary, the available evidence is currently insufficient to determine the role of this variant in disease. Therefore, it has been classified as a Variant of Uncertain Significance.

NM_005876.5(SPEG):c.8669G>A (p.Gly2890Glu)

Genes: ASIC4-AS1 (ASIC4 antisense RNA 1; minus strand), SPEG (striated muscle enriched protein kinase; plus strand). Cytogenetic location: 2q35.
Variant type: single nucleotide variant.
Coding change: c.8669G>A on transcript NM_005876.5 (MANE Select); coding-DNA position 8669, G replaced by A.
Protein change: p.Gly2890Glu; replaces glycine 2890 with glutamic acid.
Molecular consequence: missense variant.
Genome position (GRCh38, 1-based): chr2:219,489,687, G>A. VCF-style: chr2-219489687-G-A. GRCh37 (hg19) VCF-style: chr2-220354409-G-A.
Other names: c.8669G>A (NM_005876.4); short protein forms G2890E.
Identifiers: ClinVar variation 1524476 (VCV001524476.6), dbSNP rs372724045, ClinGen allele CA2127544.
Genomic context (GRCh38, chr2:219,489,687, plus strand): 5'-GTGAGCCCAAGCCTTTCGTCCTTGACACTGGGACCCCGATCCCAGCCTCCACTCCTCAAG[G>A]GGTTAAACCAGTGTCTTCCTCTACTCCTGTGTATGTGGTGACTTCCTTTGTGTCTGCACC-3'
Protein context (NP_005867.3, residues 2880-2900): GTPIPASTPQ[Gly2890Glu]VKPVSSSTPV